The following is an entry in ClinVar:

NM_024740.2(ALG9):c.1760A>G (p.Tyr587Cys)

Gene: ALG9 (ALG9 alpha-1,2-mannosyltransferase; minus strand). Cytogenetic location: 11q23.1.
Variant type: single nucleotide variant.
Coding change: c.1760A>G on transcript NM_024740.2 (MANE Select); coding-DNA position 1760, A replaced by G.
Protein change: p.Tyr587Cys; replaces tyrosine 587 with cysteine.
Molecular consequence: missense variant. On other transcripts: 3 prime UTR variant (2), non-coding transcript variant (1).
Genome position (GRCh38, 1-based): chr11:111,786,494, T>C on the plus strand (A>G on the coding strand, the complement: ALG9 is on the minus strand). VCF-style: chr11-111786494-T-C. GRCh37 (hg19) VCF-style: chr11-111657218-T-C.
Other names: c.1739A>G, p.Tyr580Cys (NM_001077690.1, NM_001352417.1); c.1247A>G, p.Tyr416Cys (NM_001077691.2, NM_001352413.1, NM_001352414.2 and 1 more transcripts); c.1226A>G, p.Tyr409Cys (NM_001077692.2, NM_001352409.1, NM_001352410.1 and 4 more transcripts); c.1616A>G, p.Tyr539Cys (NM_001352418.1); c.*32A>G (NM_001352420.2); c.*26A>G (NM_001352421.2); c.1151A>G, p.Tyr384Cys (NM_001352422.2); c.1103A>G, p.Tyr368Cys (NM_001352423.2); short protein forms Y587C, Y416C, Y539C, Y580C, Y384C, Y368C, Y409C.
Identifiers: ClinVar variation 3000528 (VCV003000528.3), dbSNP rs190908773, ClinGen allele CA228538962.

ClinVar aggregate classification (germline): Uncertain significance (1 of 4 stars; one submission).

Conditions:
ALG9 congenital disorder of glycosylation (CDG1L). Also called: CDG Il; CONGENITAL DISORDER OF GLYCOSYLATION, TYPE Il; ALG9-CDG. Identifiers: Orphanet 79328, MedGen C2931006, MONDO:0012117, OMIM 608776.

Allele frequency attached by ClinVar (database versions not stated): TOPMed below 0.00001; 1000 Genomes Project 30x 0.00016; 1000 Genomes Project 0.00020.
gnomAD v4.1: 1 of 1,614,036 alleles (0.000062%); no homozygotes.

Submission:

Labcorp Genetics (formerly Invitae), Labcorp
Classification: Uncertain significance for ALG9 congenital disorder of glycosylation. Last evaluated: 2023-08-30. Review status: criteria provided, single submitter. Criteria: Invitae Variant Classification Sherloc (09022015). Collection method: clinical testing. Allele origin: germline.
Comment: This sequence change replaces tyrosine, which is neutral and polar, with cysteine, which is neutral and slightly polar, at codon 587 of the ALG9 protein (p.Tyr587Cys). In summary, the available evidence is currently insufficient to determine the role of this variant in disease. Therefore, it has been classified as a Variant of Uncertain Significance. Experimental studies and prediction algorithms are not available or were not evaluated, and the functional significance of this variant is currently unknown. This variant is not present in population databases (gnomAD no frequency). This variant has not been reported in the literature in individuals affected with ALG9-related conditions.